The following is an entry in ClinVar:

ClinVar aggregate classification (germline): Uncertain significance (1 of 4 stars; one submission).

Allele frequency attached by ClinVar (database versions not stated): TOPMed below 0.00001; gnomAD 0.00001.
gnomAD v4.1: 4 of 1,613,554 alleles (0.00025%); highest among the groups gnomAD compares: Admixed American, 0.0033%; no homozygotes.

Submission:

Labcorp Genetics (formerly Invitae), Labcorp
Classification: Uncertain significance. Last evaluated: 2022-07-23. Review status: criteria provided, single submitter. Criteria: Invitae Variant Classification Sherloc (09022015). Collection method: clinical testing. Allele origin: germline.
Comment: In summary, the available evidence is currently insufficient to determine the role of this variant in disease. Therefore, it has been classified as a Variant of Uncertain Significance. Algorithms developed to predict the effect of missense changes on protein structure and function are either unavailable or do not agree on the potential impact of this missense change (SIFT: "Deleterious"; PolyPhen-2: "Probably Damaging"; Align-GVGD: "Class C0"). This variant has not been reported in the literature in individuals affected with SPART-related conditions. This variant is present in population databases (no rsID available, gnomAD 0.006%). This sequence change replaces isoleucine, which is neutral and non-polar, with asparagine, which is neutral and polar, at codon 16 of the SPART protein (p.Ile16Asn).

NM_015087.5(SPART):c.47T>A (p.Ile16Asn)

Gene: SPART (spartin; minus strand). Cytogenetic location: 13q13.3.
Variant type: single nucleotide variant.
Coding change: c.47T>A on transcript NM_015087.5 (MANE Select); coding-DNA position 47, T replaced by A.
Protein change: p.Ile16Asn; replaces isoleucine 16 with asparagine.
Molecular consequence: missense variant.
Genome position (GRCh38, 1-based): chr13:36,335,784, A>T on the plus strand (T>A on the coding strand, the complement: SPART is on the minus strand). VCF-style: chr13-36335784-A-T. GRCh37 (hg19) VCF-style: chr13-36909921-A-T.
Other names: c.47T>A, p.Ile16Asn (NM_001142294.2, NM_001142295.2, NM_001142296.2); short protein forms I16N.
Identifiers: ClinVar variation 1982225 (VCV001982225.2), dbSNP rs982542560, ClinGen allele CA248174876.